The following is an entry in ClinVar:

ClinVar aggregate classification (germline): Uncertain significance (1 of 4 stars; one submission).

gnomAD v4.1: 2 of 1,614,200 alleles (0.00012%); highest among the groups gnomAD compares: South Asian, 0.0011%; no homozygotes.

Submission:

GeneDx
Classification: Uncertain significance. Last evaluated: 2024-09-25. Review status: criteria provided, single submitter. Criteria: GeneDx Variant Classification Process June 2021. Collection method: clinical testing. Allele origin: germline. Affected: yes.
Comment: Not observed at significant frequency in large population cohorts (gnomAD); In silico analysis indicates that this variant does not alter splicing; Has not been previously published as pathogenic or benign to our knowledge

NM_000271.5(NPC1):c.129A>G (p.Glu43=)

Gene: NPC1 (NPC intracellular cholesterol transporter 1; minus strand). Cytogenetic location: 18q11.2.
Variant type: single nucleotide variant.
Coding change: c.129A>G on transcript NM_000271.5 (MANE Select); coding-DNA position 129, A replaced by G.
Protein change: p.Glu43=; no amino-acid change (glutamic acid 43 retained).
Molecular consequence: synonymous variant.
Genome position (GRCh38, 1-based): chr18:23,573,503, T>C on the plus strand (A>G on the coding strand, the complement: NPC1 is on the minus strand). VCF-style: chr18-23573503-T-C. GRCh37 (hg19) VCF-style: chr18-21153467-T-C.
Identifiers: ClinVar variation 3774725 (VCV003774725.1).
Genomic context (GRCh38, chr18:23,573,503, plus strand): 5'-TGAACTTACCTGCACTAAGTCATATCCATCCTTTGGCAATGGTTTTGGTGGGCCAGAATA[T>C]TCGCAATTGTACCTCTTGTCCCCATATGCAATTCCACACTCTCCATACCAAACACAGGAC-3'
Protein context (NP_000262.2, residues 33-53): IAYGDKRYNC[Glu43=]YSGPPKPLPK